The following is an entry in ClinVar:

NM_001112741.2(KCNC1):c.256C>T (p.Leu86Phe)

Gene: KCNC1 (potassium voltage-gated channel subfamily C member 1; plus strand). Cytogenetic location: 11p15.1.
Variant type: single nucleotide variant.
Coding change: c.256C>T on transcript NM_001112741.2 (MANE Select); coding-DNA position 256, C replaced by T.
Protein change: p.Leu86Phe; replaces leucine 86 with phenylalanine.
Molecular consequence: missense variant.
Genome position (GRCh38, 1-based): chr11:17,736,258, C>T. VCF-style: chr11-17736258-C-T. GRCh37 (hg19) VCF-style: chr11-17757805-C-T.
Other names: c.256C>T, p.Leu86Phe (NM_004976.4); short protein forms L86F.
Identifiers: ClinVar variation 2897069 (VCV002897069.3), dbSNP rs1239342697, ClinGen allele CA379799851.

ClinVar aggregate classification (germline): Uncertain significance (1 of 4 stars; one submission).

Conditions:
Progressive myoclonic epilepsy type 7. Identifiers: Orphanet 435438, MedGen C4015420, MONDO:0014521, OMIM 616187.

Allele frequency attached by ClinVar (database versions not stated): gnomAD exomes below 0.00001; gnomAD 0.00001; TOPMed 0.00001.

Submission:

Labcorp Genetics (formerly Invitae), Labcorp
Classification: Uncertain significance for Progressive myoclonic epilepsy type 7. Last evaluated: 2024-05-21. Review status: criteria provided, single submitter. Criteria: Invitae Variant Classification Sherloc (09022015). Collection method: clinical testing. Allele origin: germline.
Comment: This sequence change replaces leucine, which is neutral and non-polar, with phenylalanine, which is neutral and non-polar, at codon 86 of the KCNC1 protein (p.Leu86Phe). This variant is present in population databases (no rsID available, gnomAD 0.006%). This variant has not been reported in the literature in individuals affected with KCNC1-related conditions. Advanced modeling of protein sequence and biophysical properties (such as structural, functional, and spatial information, amino acid conservation, physicochemical variation, residue mobility, and thermodynamic stability) has been performed at Invitae for this missense variant, however the output from this modeling did not meet the statistical confidence thresholds required to predict the impact of this variant on KCNC1 protein function. In summary, the available evidence is currently insufficient to determine the role of this variant in disease. Therefore, it has been classified as a Variant of Uncertain Significance.